The following is an entry in ClinVar:

NM_006892.4(DNMT3B):c.814-3T>C

Gene: DNMT3B (DNA methyltransferase 3 beta; plus strand). Cytogenetic location: 20q11.21.
Variant type: single nucleotide variant.
Coding change: c.814-3T>C on transcript NM_006892.4 (MANE Select); 3 bases into the intron before coding-DNA position 814, T replaced by C.
Molecular consequence: intron variant.
Genome position (GRCh38, 1-based): chr20:32,791,598, T>C. VCF-style: chr20-32791598-T-C. GRCh37 (hg19) VCF-style: chr20-31379404-T-C.
Other names: c.814-3T>C (NM_175848.2, NM_175849.2); c.688-3T>C (NM_001207055.2); c.586-3T>C (NM_001207056.2); c.850-3T>C (NM_175850.3).
Identifiers: ClinVar variation 1474140 (VCV001474140.5), dbSNP rs746999702, ClinGen allele CA9810325.

ClinVar aggregate classification (germline): Uncertain significance (1 of 4 stars; one submission).

Conditions:
Centromeric instability of chromosomes 1,9 and 16 and immunodeficiency (ICF1). Also called: Immunodeficiency-centromeric instability-facial anomalies; IMMUNE DEFICIENCY, VARIABLE, WITH CENTROMERIC INSTABILITY OF CHROMOSOMES 1, 9, AND 16; IMMUNODEFICIENCY SYNDROME, VARIABLE; CENTROMERIC INSTABILITY, IMMUNODEFICIENCY SYNDROME. Identifiers: Orphanet 2268, MedGen C0398788, MONDO:0000133.

Allele frequency attached by ClinVar (database versions not stated): TOPMed below 0.00001; ExAC 0.00001; gnomAD 0.00001; gnomAD exomes 0.00001.
gnomAD v4.1: 18 of 1,614,012 alleles (0.0011%); highest among the groups gnomAD compares: Non-Finnish European, 0.0015%; no homozygotes.

Submission:

Labcorp Genetics (formerly Invitae), Labcorp
Classification: Uncertain significance for Centromeric instability of chromosomes 1,9 and 16 and immunodeficiency. Last evaluated: 2022-07-25. Review status: criteria provided, single submitter. Criteria: Invitae Variant Classification Sherloc (09022015). Collection method: clinical testing. Allele origin: germline.
Comment: In summary, the available evidence is currently insufficient to determine the role of this variant in disease. Therefore, it has been classified as a Variant of Uncertain Significance. Variants that disrupt the consensus splice site are a relatively common cause of aberrant splicing (PMID: 17576681, 9536098). Algorithms developed to predict the effect of sequence changes on RNA splicing suggest that this variant is not likely to affect RNA splicing. ClinVar contains an entry for this variant (Variation ID: 1474140). This variant has not been reported in the literature in individuals affected with DNMT3B-related conditions. This variant is present in population databases (rs746999702, gnomAD 0.003%). This sequence change falls in intron 7 of the DNMT3B gene. It does not directly change the encoded amino acid sequence of the DNMT3B protein. It affects a nucleotide within the consensus splice site.

Literature cited by the submitters: PubMed 17576681; PubMed 9536098.